The following is an entry in ClinVar:

NM_002203.4(ITGA2):c.185+10T>C

Gene: ITGA2 (integrin subunit alpha 2; plus strand). Cytogenetic location: 5q11.2.
Variant type: single nucleotide variant.
Coding change: c.185+10T>C on transcript NM_002203.4 (MANE Select); 10 bases into the intron after coding-DNA position 185, T replaced by C.
Molecular consequence: intron variant.
Genome position (GRCh38, 1-based): chr5:53,026,878, T>C. VCF-style: chr5-53026878-T-C. GRCh37 (hg19) VCF-style: chr5-52322708-T-C.
Identifiers: ClinVar variation 353732 (VCV000353732.7), dbSNP rs758980432, ClinGen allele CA3262513.

ClinVar aggregate classification (germline): Uncertain significance. Review status: criteria provided, single submitter (1 of 4 stars). 2 submissions from 2 submitters: Uncertain significance (1). 1 of the submissions does not count toward it. Last evaluated 2018-01-12.

Conditions:
Platelet-type bleeding disorder 9 (BDPLT9). Also called: GLYCOPROTEIN Ia DEFICIENCY; GP Ia DEFICIENCY; COLLAGEN PLATELET RECEPTOR DEFICIENCY. Identifiers: Orphanet 73271, Orphanet 98886, MedGen C3280114, MONDO:0013622, OMIM 614200.
ITGA2-related disorder. Also called: ITGA2-related condition.

Allele frequency attached by ClinVar (database versions not stated): gnomAD 0.00001; TOPMed 0.00002; ExAC 0.00003; gnomAD exomes 0.00004 and 0.00005.
gnomAD v4.1: 71 of 1,607,914 alleles (0.0044%); highest among the groups gnomAD compares: Non-Finnish European, 0.0059%; no homozygotes.

Submissions (2):

Illumina Laboratory Services, Illumina
Classification: Uncertain significance for Platelet-type bleeding disorder 9. Last evaluated: 2018-01-12. Review status: criteria provided, single submitter. Criteria: ICSL Variant Classification Criteria 13 December 2019. Collection method: clinical testing. Allele origin: germline.

PreventionGenetics, part of Exact Sciences
Classification: Likely benign for ITGA2-related condition. Last evaluated: 2019-04-25. Review status: no assertion criteria provided. Collection method: clinical testing. Allele origin: germline. Not counted in ClinVar's aggregate classification.
Comment: This variant is classified as likely benign based on ACMG/AMP sequence variant interpretation guidelines (Richards et al. 2015 PMID: 25741868, with internal and published modifications).